The following is an entry in ClinVar:

ClinVar aggregate classification (germline): Uncertain significance (1 of 4 stars; one submission).

Allele frequency attached by ClinVar (database versions not stated): gnomAD exomes below 0.00001.
gnomAD v4.1: 3 of 1,614,202 alleles (0.00019%); highest among the groups gnomAD compares: South Asian, 0.0011%; no homozygotes.

Submission:

Labcorp Genetics (formerly Invitae), Labcorp
Classification: Uncertain significance. Last evaluated: 2022-06-08. Review status: criteria provided, single submitter. Criteria: Invitae Variant Classification Sherloc (09022015). Collection method: clinical testing. Allele origin: germline.
Comment: This sequence change replaces threonine, which is neutral and polar, with alanine, which is neutral and non-polar, at codon 437 of the ADD3 protein (p.Thr437Ala). This variant is not present in population databases (gnomAD no frequency). This variant has not been reported in the literature in individuals affected with ADD3-related conditions. Algorithms developed to predict the effect of missense changes on protein structure and function are either unavailable or do not agree on the potential impact of this missense change (SIFT: "Not Available"; PolyPhen-2: "Probably Damaging"; Align-GVGD: "Not Available"). In summary, the available evidence is currently insufficient to determine the role of this variant in disease. Therefore, it has been classified as a Variant of Uncertain Significance.

NM_016824.5(ADD3):c.1309A>G (p.Thr437Ala)

Gene: ADD3 (adducin 3; plus strand). Cytogenetic location: 10q25.2.
Variant type: single nucleotide variant.
Coding change: c.1309A>G on transcript NM_016824.5 (MANE Select); coding-DNA position 1309, A replaced by G.
Protein change: p.Thr437Ala; replaces threonine 437 with alanine.
Molecular consequence: missense variant.
Genome position (GRCh38, 1-based): chr10:110,124,182, A>G. VCF-style: chr10-110124182-A-G. GRCh37 (hg19) VCF-style: chr10-111883940-A-G.
Other names: c.1309A>G, p.Thr437Ala (NM_001121.4, NM_001320591.2, NM_001320592.2 and 2 more transcripts); c.1075A>G, p.Thr359Ala (NM_001320594.2); short protein forms T359A, T437A.
Identifiers: ClinVar variation 2003284 (VCV002003284.4), dbSNP rs2496160216, ClinGen allele CA378372955.